The following is an entry in ClinVar:

NM_020207.7(ERCC6L2):c.1582C>A (p.Leu528Ile)

Gene: ERCC6L2 (ERCC excision repair 6 like 2; plus strand). Cytogenetic location: 9q22.32.
Variant type: single nucleotide variant.
Coding change: c.1582C>A on transcript NM_020207.7 (MANE Select); coding-DNA position 1582, C replaced by A.
Protein change: p.Leu528Ile; replaces leucine 528 with isoleucine.
Molecular consequence: missense variant. On other transcripts: non-coding transcript variant (1).
Genome position (GRCh38, 1-based): chr9:95,928,127, C>A. VCF-style: chr9-95928127-C-A. GRCh37 (hg19) VCF-style: chr9-98690409-C-A.
Other names: c.1582C>A, p.Leu528Ile (NM_001010895.4, NM_001375291.1, NM_001375292.1 and 2 more transcripts); short protein forms L528I.
Identifiers: ClinVar variation 4019396 (VCV004019396.1).

ClinVar aggregate classification (germline): Uncertain significance (1 of 4 stars; one submission).

Conditions:
Inborn genetic diseases. Identifiers: MedGen C0950123, MeSH D030342.

Submission:

Ambry Genetics
Classification: Uncertain significance for Inborn genetic diseases. Last evaluated: 2025-06-06. Review status: criteria provided, single submitter. Criteria: Ambry Variant Classification Scheme 2023. Collection method: clinical testing. Allele origin: germline.
Comment: The p.L528I variant (also known as c.1582C>A), located in coding exon 10 of the ERCC6L2 gene, results from a C to A substitution at nucleotide position 1582. The leucine at codon 528 is replaced by isoleucine, an amino acid with highly similar properties. This amino acid position is conserved. In addition, the in silico prediction for this alteration is inconclusive. Based on the available evidence, the clinical significance of this variant remains unclear.